The following is an entry in ClinVar:

NM_013254.4(TBK1):c.350G>A (p.Arg117Gln)

Gene: TBK1 (TANK binding kinase 1; plus strand). Cytogenetic location: 12q14.2.
Variant type: single nucleotide variant.
Coding change: c.350G>A on transcript NM_013254.4 (MANE Select); coding-DNA position 350, G replaced by A.
Protein change: p.Arg117Gln; replaces arginine 117 with glutamine.
Molecular consequence: missense variant.
Genome position (GRCh38, 1-based): chr12:64,464,455, G>A. VCF-style: chr12-64464455-G-A. GRCh37 (hg19) VCF-style: chr12-64858235-G-A.
Other names: c.350G>A (NM_013254.3); short protein forms R117Q.
Identifiers: ClinVar variation 2197993 (VCV002197993.5), dbSNP rs139726614, ClinGen allele CA238251847.

ClinVar aggregate classification (germline): Uncertain significance. Review status: criteria provided, multiple submitters, no conflicts (2 of 4 stars). 2 submissions from 2 submitters: Uncertain significance (2). Last evaluated 2023-09-15.

Conditions:
Frontotemporal dementia and/or amyotrophic lateral sclerosis 4. Also called: FTDALS4. Identifiers: Orphanet 275872, MedGen C4225325, MONDO:0014641, OMIM 616439.
TBK1-related disorder. Also called: TBK1-related condition.

Allele frequency attached by ClinVar (database versions not stated): gnomAD exomes below 0.00001; gnomAD 0.00001; ESP Exome Variant Server 0.00015.

Submissions (2):

PreventionGenetics, part of Exact Sciences
Classification: Uncertain significance for TBK1-related condition. Last evaluated: 2023-09-15. Review status: criteria provided, single submitter. Criteria: ACMG Guidelines, 2015. Collection method: clinical testing. Allele origin: germline.
Comment: The TBK1 c.350G>A variant is predicted to result in the amino acid substitution p.Arg117Gln. To our knowledge, this variant has not been reported in the literature. This variant is reported in 0.0053% of alleles in individuals of East Asian descent in gnomAD. At this time, the clinical significance of this variant is uncertain due to the absence of conclusive functional and genetic evidence.

Labcorp Genetics (formerly Invitae), Labcorp
Classification: Uncertain significance for Frontotemporal dementia and/or amyotrophic lateral sclerosis 4. Last evaluated: 2022-03-29. Review status: criteria provided, single submitter. Criteria: Invitae Variant Classification Sherloc (09022015). Collection method: clinical testing. Allele origin: germline.
Comment: This variant has not been reported in the literature in individuals affected with TBK1-related conditions. This variant is present in population databases (rs139726614, gnomAD 0.006%). This sequence change replaces arginine, which is basic and polar, with glutamine, which is neutral and polar, at codon 117 of the TBK1 protein (p.Arg117Gln). Advanced modeling of protein sequence and biophysical properties (such as structural, functional, and spatial information, amino acid conservation, physicochemical variation, residue mobility, and thermodynamic stability) performed at Invitae indicates that this missense variant is not expected to disrupt TBK1 protein function. In summary, the available evidence is currently insufficient to determine the role of this variant in disease. Therefore, it has been classified as a Variant of Uncertain Significance.